The following is an entry in ClinVar:

ClinVar aggregate classification (germline): Likely benign. Review status: criteria provided, multiple submitters, no conflicts (2 of 4 stars). 4 submissions from 4 submitters: Likely benign (4). Last evaluated 2025-01-12.

Conditions:
Familial cancer of breast. Also called: hereditary breast carcinoma; Hereditary breast cancer; BREAST CANCER, FAMILIAL. Identifiers: Orphanet 227535, MedGen C0346153, MONDO:0016419, OMIM 114480. Disease mechanism: loss of function.
Hereditary cancer-predisposing syndrome. Also called: Hereditary Cancer Syndrome; Hereditary neoplastic syndrome; Neoplastic Syndromes, Hereditary; Tumor predisposition. Identifiers: Orphanet 140162, MedGen C0027672, MeSH D009386, MONDO:0015356.

Allele frequency attached by ClinVar (database versions not stated): gnomAD exomes below 0.00001 and 0.00002; TOPMed below 0.00001; ExAC 0.00001; gnomAD 0.00001.
gnomAD v4.1: 36 of 1,596,308 alleles (0.0023%); highest among the groups gnomAD compares: Non-Finnish European, 0.0028%; no homozygotes.

Submissions (4):

Labcorp Genetics (formerly Invitae), Labcorp
Classification: Likely benign for Familial cancer of breast. Last evaluated: 2025-01-12. Review status: criteria provided, single submitter. Criteria: Invitae Variant Classification Sherloc (09022015). Collection method: clinical testing. Allele origin: germline.

Myriad Genetics, Inc.
Classification: Likely benign for Familial cancer of breast. Last evaluated: 2024-07-29. Review status: criteria provided, single submitter. Criteria: Myriad Autosomal Dominant, Autosomal Recessive and X-Linked Classification Criteria (2023). Collection method: clinical testing. Allele origin: unknown.
Comment: This variant is considered likely benign. This variant is intronic and is not expected to impact mRNA splicing.

Color Diagnostics, LLC DBA Color Health
Classification: Likely benign for Hereditary cancer-predisposing syndrome. Last evaluated: 2016-12-12. Review status: criteria provided, single submitter. Criteria: ACMG Guidelines, 2015. Collection method: clinical testing. Allele origin: germline.

GeneDx
Classification: Likely benign. Last evaluated: 2016-01-26. Review status: criteria provided, single submitter. Criteria: GeneDx Variant Classification (06012015). Collection method: clinical testing. Allele origin: germline. Affected: yes.
Comment: This variant is considered likely benign or benign based on one or more of the following criteria: it is a conservative change, it occurs at a poorly conserved position in the protein, it is predicted to be benign by multiple in silico algorithms, and/or has population frequency not consistent with disease.

NM_000465.4(BARD1):c.1904-15T>C

Gene: BARD1 (BRCA1 associated RING domain 1; minus strand). Cytogenetic location: 2q35.
Variant type: single nucleotide variant.
Coding change: c.1904-15T>C on transcript NM_000465.4 (MANE Select); 15 bases into the intron before coding-DNA position 1904, T replaced by C.
Molecular consequence: intron variant.
Genome position (GRCh38, 1-based): chr2:214,730,523, A>G on the plus strand (T>C on the coding strand, the complement: BARD1 is on the minus strand). VCF-style: chr2-214730523-A-G. GRCh37 (hg19) VCF-style: chr2-215595247-A-G.
Other names: c.1904-15T>C (LRG_297t1); c.494-15T>C (NM_001282548.2); c.1847-15T>C (NM_001282543.2); c.551-15T>C (NM_001282545.2); c.365-15T>C (NM_001282549.2).
Identifiers: ClinVar variation 383267 (VCV000383267.9), dbSNP rs747735614, ClinGen allele CA2090121.